The following is an entry in ClinVar:

NM_005070.4(SLC4A3):c.1017G>A (p.Arg339=)

Gene: SLC4A3 (solute carrier family 4 member 3; plus strand). Cytogenetic location: 2q35.
Variant type: single nucleotide variant.
Coding change: c.1017G>A on transcript NM_005070.4 (MANE Select); coding-DNA position 1017, G replaced by A.
Protein change: p.Arg339=; no amino-acid change (arginine 339 retained).
Molecular consequence: synonymous variant. On other transcripts: non-coding transcript variant (1).
Genome position (GRCh38, 1-based): chr2:219,632,318, G>A. VCF-style: chr2-219632318-G-A. GRCh37 (hg19) VCF-style: chr2-220497040-G-A.
Other names: p.Arg366=; c.1098G>A, p.Arg366= (NM_001326559.2, NM_201574.3); c.1098G>A (NM_201574.2).
Identifiers: ClinVar variation 3894807 (VCV003894807.2), dbSNP rs41272707.

ClinVar aggregate classification (germline): Benign. Review status: criteria provided, multiple submitters, no conflicts (2 of 4 stars). 2 submissions from 2 submitters: Benign (2). Last evaluated 2025-04-09.

gnomAD v4.1: 26,517 of 1,614,124 alleles (1.6%); highest among the groups gnomAD compares: Non-Finnish European, 1.9%; 273 homozygotes.

Submissions (2):

Molecular Diagnostic Laboratory for Inherited Cardiovascular Disease, Montreal Heart Institute
Classification: Benign. Last evaluated: 2025-04-09. Review status: criteria provided, single submitter. Criteria: ACMG Guidelines, 2015. Collection method: clinical testing. Allele origin: germline. Affected: no.

Mayo Clinic Laboratories, Mayo Clinic
Classification: Benign. Last evaluated: 2023-11-27. Review status: criteria provided, single submitter. Criteria: ACMG Guidelines, 2015. Collection method: clinical testing. Allele origin: germline. Observed: 13 variant alleles.
Comment: BS1, BS2, BP4, BP7